The following is an entry in ClinVar:

NM_001320752.2(STS):c.1100G>C (p.Trp367Ser)

Gene: STS (steroid sulfatase; plus strand). Cytogenetic location: Xp22.31.
Variant type: single nucleotide variant.
Coding change: c.1100G>C on transcript NM_001320752.2 (MANE Select); coding-DNA position 1100, G replaced by C.
Protein change: p.Trp367Ser; replaces tryptophan 367 with serine.
Molecular consequence: missense variant.
Genome position (GRCh38, 1-based): chrX:7,325,357, G>C. VCF-style: chrX-7325357-G-C. GRCh37 (hg19) VCF-style: chrX-7243398-G-C.
Other names: W372P; c.1100G>C, p.Trp367Ser (NM_000351.7, NM_001320753.2, NM_001320754.2); c.1136G>C, p.Trp379Ser (NM_001320750.3, NM_001320751.2); short protein forms W379S, W367S.
Identifiers: ClinVar variation 10555 (VCV000010555.3), dbSNP rs137853168, ClinGen allele CA121123.

ClinVar aggregate classification (germline): Uncertain significance. Review status: criteria provided, single submitter (1 of 4 stars). 2 submissions from 2 submitters: Uncertain significance (1). 1 of the submissions does not count toward it. Last evaluated 2025-05-17.

Conditions:
X-linked ichthyosis with steryl-sulfatase deficiency (XLI). Also called: STEROID SULFATASE DEFICIENCY; STEROID SULFATASE DEFICIENCY DISEASE; STS DEFICIENCY; Recessive X-linked ichthyosis; PLACENTAL STEROID SULFATASE DEFICIENCY; Ichthyosis, X-Linked. Identifiers: Orphanet 461, MedGen C0079588, MONDO:0010622, OMIM 308100.

gnomAD v4.1: 2 of 1,211,315 alleles (0.00017%); highest among the groups gnomAD compares: Non-Finnish European, 0.00022%; no homozygotes.

Submissions (2):

Labcorp Genetics (formerly Invitae), Labcorp
Classification: Uncertain significance. Last evaluated: 2025-05-17. Review status: criteria provided, single submitter. Criteria: Invitae Variant Classification Sherloc (09022015). Collection method: clinical testing. Allele origin: germline.
Comment: This sequence change replaces tryptophan, which is neutral and slightly polar, with serine, which is neutral and polar, at codon 372 of the STS protein (p.Trp372Ser). This variant is not present in population databases (gnomAD no frequency). This missense change has been observed in individual(s) with congenital ichthyosis (internal data). ClinVar contains an entry for this variant (Variation ID: 10555). Invitae Evidence Modeling of protein sequence and biophysical properties (such as structural, functional, and spatial information, amino acid conservation, physicochemical variation, residue mobility, and thermodynamic stability) indicates that this missense variant is not expected to disrupt STS protein function with a negative predictive value of 80%. This variant disrupts the p.Trp372 amino acid residue in STS. Other variant(s) that disrupt this residue have been observed in individuals with STS-related conditions (PMID: 1539590), which suggests that this may be a clinically significant amino acid residue. In summary, the available evidence is currently insufficient to determine the role of this variant in disease. Therefore, it has been classified as a Variant of Uncertain Significance.

OMIM
Classification: Pathogenic for ICHTHYOSIS, X-LINKED. Last evaluated: 1997-08-15. Review status: no assertion criteria provided. Collection method: literature only. Allele origin: germline. Not counted in ClinVar's aggregate classification.

Literature cited by the submitters: PubMed 1539590 (cited by Labcorp Genetics (formerly Invitae), Labcorp); PubMed 9252398 (cited by OMIM).